The following is an entry in ClinVar:

NM_018249.6(CDK5RAP2):c.4962C>T (p.His1654=)

Gene: CDK5RAP2 (CDK5 regulatory subunit associated protein 2; minus strand). Cytogenetic location: 9q33.2.
Variant type: single nucleotide variant.
Coding change: c.4962C>T on transcript NM_018249.6 (MANE Select); coding-DNA position 4962, C replaced by T.
Protein change: p.His1654=; no amino-acid change (histidine 1654 retained).
Molecular consequence: synonymous variant. On other transcripts: non-coding transcript variant (5), intron variant (1).
Genome position (GRCh38, 1-based): chr9:120,407,013, G>A on the plus strand (C>T on the coding strand, the complement: CDK5RAP2 is on the minus strand). VCF-style: chr9-120407013-G-A. GRCh37 (hg19) VCF-style: chr9-123169291-G-A.
Other names: c.4272C>T, p.His1424= (NM_001272039.2); c.4726+1334C>T (NM_001011649.3).
Identifiers: ClinVar variation 364753 (VCV000364753.30), dbSNP rs764342492, ClinGen allele CA5213420.
Genomic context (GRCh38, chr9:120,407,013, plus strand): 5'-GTCACACACAGATGCTCAGAGCTGCATTCTCAGCAAGTGGGGAGAGGCAGGGGCAGTACC[G>A]TGTTTGTCAGGCTGAAGGGGCACCTCAGGGATGGACACGGCTTGGACAGCCAGAGTGAGG-3'
Protein context (NP_060719.4, residues 1644-1664): IPEVPLQPDK[His1654=]DGDKYPMESD

ClinVar aggregate classification (germline): Conflicting classifications of pathogenicity. Review status: criteria provided, conflicting classifications (1 of 4 stars). 3 submissions from 3 submitters: Uncertain significance (2); Likely benign (1). Last evaluated 2025-05-05.

Conditions:
Microcephaly 3, primary, autosomal recessive. Identifiers: Orphanet 2512, MedGen C1858108, MONDO:0011488, OMIM 604804.

Allele frequency attached by ClinVar (database versions not stated): gnomAD 0.00001; ExAC 0.00002; gnomAD exomes 0.00002.
gnomAD v4.1: 27 of 1,609,886 alleles (0.0017%); highest among the groups gnomAD compares: Middle Eastern, 0.017%; no homozygotes.

Submissions (3):

Labcorp Genetics (formerly Invitae), Labcorp
Classification: Uncertain significance. Last evaluated: 2025-05-05. Review status: criteria provided, single submitter. Criteria: Invitae Variant Classification Sherloc (09022015). Collection method: clinical testing. Allele origin: germline.
Comment: This sequence change affects codon 1654 of the CDK5RAP2 mRNA. It is a 'silent' change, meaning that it does not change the encoded amino acid sequence of the CDK5RAP2 protein. It affects a nucleotide within the consensus splice site. This variant is present in population databases (rs764342492, gnomAD 0.006%). This variant has not been reported in the literature in individuals affected with CDK5RAP2-related conditions. ClinVar contains an entry for this variant (Variation ID: 364753). Algorithms developed to predict the effect of sequence changes on RNA splicing suggest that this variant may disrupt the consensus splice site. In summary, the available evidence is currently insufficient to determine the role of this variant in disease. Therefore, it has been classified as a Variant of Uncertain Significance.

CeGaT Center for Human Genetics Tuebingen
Classification: Likely benign. Last evaluated: 2023-11-01. Review status: criteria provided, single submitter. Criteria: CeGaT Center For Human Genetics Tuebingen Variant Classification Criteria Version 2. Collection method: clinical testing. Allele origin: germline. Affected: yes. Observed: 1 variant allele.
Comment: CDK5RAP2: BP4, BP7

Illumina Laboratory Services, Illumina
Classification: Uncertain significance for Microcephaly 3, primary, autosomal recessive. Last evaluated: 2018-01-13. Review status: criteria provided, single submitter. Criteria: ICSL Variant Classification Criteria 13 December 2019. Collection method: clinical testing. Allele origin: germline.